The following is an entry in ClinVar:

NM_033026.6(PCLO):c.1580C>A (p.Thr527Lys)

Gene: PCLO (piccolo presynaptic cytomatrix protein; minus strand). Cytogenetic location: 7q21.11.
Variant type: single nucleotide variant.
Coding change: c.1580C>A on transcript NM_033026.6 (MANE Select); coding-DNA position 1580, C replaced by A.
Protein change: p.Thr527Lys; replaces threonine 527 with lysine.
Molecular consequence: missense variant.
Genome position (GRCh38, 1-based): chr7:83,155,061, G>T on the plus strand (C>A on the coding strand, the complement: PCLO is on the minus strand). VCF-style: chr7-83155061-G-T. GRCh37 (hg19) VCF-style: chr7-82784377-G-T.
Other names: c.1580C>A, p.Thr527Lys (NM_014510.3); short protein forms T527K.
Identifiers: ClinVar variation 1722251 (VCV001722251.5), dbSNP rs1413552270, ClinGen allele CA367913635.

ClinVar aggregate classification (germline): Uncertain significance (1 of 4 stars; one submission).

Allele frequency attached by ClinVar (database versions not stated): gnomAD exomes below 0.00001; TOPMed 0.00001.
gnomAD v4.1: 1 of 1,613,280 alleles (0.000062%); highest among the groups gnomAD compares: East Asian, 0.0022%; no homozygotes.

Submission:

Labcorp Genetics (formerly Invitae), Labcorp
Classification: Uncertain significance. Last evaluated: 2022-07-22. Review status: criteria provided, single submitter. Criteria: Invitae Variant Classification Sherloc (09022015). Collection method: clinical testing. Allele origin: germline.
Comment: In summary, the available evidence is currently insufficient to determine the role of this variant in disease. Therefore, it has been classified as a Variant of Uncertain Significance. Algorithms developed to predict the effect of missense changes on protein structure and function are either unavailable or do not agree on the potential impact of this missense change (SIFT: "Deleterious"; PolyPhen-2: "Possibly Damaging"; Align-GVGD: "Class C0"). This variant has not been reported in the literature in individuals affected with PCLO-related conditions. This variant is present in population databases (no rsID available, gnomAD 0.006%). This sequence change replaces threonine, which is neutral and polar, with lysine, which is basic and polar, at codon 527 of the PCLO protein (p.Thr527Lys).